The following is an entry in ClinVar:

ClinVar aggregate classification (germline): Uncertain significance. Review status: criteria provided, multiple submitters, no conflicts (2 of 4 stars). 3 submissions from 3 submitters: Uncertain significance (3). Last evaluated 2025-06-10.

Conditions:
UPK3A-related disorder. Also called: UPK3A-related condition.
Renal hypodysplasia/aplasia 1 (RHDA1). Also called: RENAL APLASIA; HEREDITARY RENAL APLASIA. Identifiers: Orphanet 411709, MedGen C1619700, MONDO:0024519, OMIM 191830.

Allele frequency attached by ClinVar (database versions not stated): TOPMed 0.00001; ExAC 0.00002; gnomAD 0.00003.
gnomAD v4.1: 43 of 1,614,118 alleles (0.0027%); highest among the groups gnomAD compares: Non-Finnish European, 0.0036%; no homozygotes.

Submissions (3):

Ambry Genetics
Classification: Uncertain significance. Last evaluated: 2025-06-10. Review status: criteria provided, single submitter. Criteria: Ambry Variant Classification Scheme 2023. Collection method: clinical testing. Allele origin: germline.

PreventionGenetics, part of Exact Sciences
Classification: Uncertain significance for UPK3A-related condition. Last evaluated: 2023-10-05. Review status: criteria provided, single submitter. Criteria: ACMG Guidelines, 2015. Collection method: clinical testing. Allele origin: germline.
Comment: The UPK3A c.332G>A variant is predicted to result in the amino acid substitution p.Ser111Asn. To our knowledge, this variant has not been reported in the literature. This variant is reported in 0.0031% of alleles in individuals of European (Non-Finnish) descent in gnomAD. At this time, the clinical significance of this variant is uncertain due to the absence of conclusive functional and genetic evidence.

Illumina Laboratory Services, Illumina
Classification: Uncertain significance for Renal hypodysplasia/aplasia 1. Last evaluated: 2018-01-12. Review status: criteria provided, single submitter. Criteria: ICSL Variant Classification Criteria 13 December 2019. Collection method: clinical testing. Allele origin: germline.

NM_006953.4(UPK3A):c.332G>A (p.Ser111Asn)

Gene: UPK3A (uroplakin 3A; plus strand). Cytogenetic location: 22q13.31.
Variant type: single nucleotide variant.
Coding change: c.332G>A on transcript NM_006953.4 (MANE Select); coding-DNA position 332, G replaced by A.
Protein change: p.Ser111Asn; replaces serine 111 with asparagine.
Molecular consequence: missense variant. On other transcripts: intron variant (1).
Genome position (GRCh38, 1-based): chr22:45,287,295, G>A. VCF-style: chr22-45287295-G-A. GRCh37 (hg19) VCF-style: chr22-45683176-G-A.
Other names: c.208+1199G>A (NM_001167574.2); short protein forms S111N.
Identifiers: ClinVar variation 341973 (VCV000341973.8), dbSNP rs765876533, ClinGen allele CA10284348.